The following is an entry in ClinVar:

NM_014363.6(SACS):c.1178T>A (p.Leu393Ter)

Gene: SACS (sacsin molecular chaperone; minus strand). Cytogenetic location: 13q12.12.
Variant type: single nucleotide variant.
Coding change: c.1178T>A on transcript NM_014363.6 (MANE Select); coding-DNA position 1178, T replaced by A.
Protein change: p.Leu393Ter; replaces leucine 393 with a stop codon.
Molecular consequence: nonsense.
Genome position (GRCh38, 1-based): chr13:23,355,434, A>T on the plus strand (T>A on the coding strand, the complement: SACS is on the minus strand). VCF-style: chr13-23355434-A-T. GRCh37 (hg19) VCF-style: chr13-23929573-A-T.
Other names: c.737T>A, p.Leu246Ter (NM_001278055.2); short protein forms L246*, L393*.
Identifiers: ClinVar variation 1724826 (VCV001724826.2), dbSNP rs2542399042, ClinGen allele CA387549933.
Genomic context (GRCh38, chr13:23,355,434, plus strand): 5'-TCATCAGCTAAAGAGTCAAGCTTACTACTGATCCCTCGCCCACCCACACTGTTACACACC[A>T]ACCAAGATGTTTTCTGTGCATCCTTAGTACTCTCCTCTTCTAAAACAATATTTACGTGAT-3'

ClinVar aggregate classification (germline): Likely pathogenic (1 of 4 stars; one submission).

Conditions:
Charlevoix-Saguenay spastic ataxia (SACS). Also called: SPASTIC ATAXIA 6, AUTOSOMAL RECESSIVE; AUTOSOMAL RECESSIVE SPASTIC ATAXIA OF CHARLEVOIX-SAGUENAY; Spastic ataxia of Charlevoix-Saguenay. Identifiers: Orphanet 98, MedGen C1849140, MONDO:0010041, OMIM 270550.

Submission:

Myriad Genetics, Inc.
Classification: Likely pathogenic for Charlevoix-Saguenay spastic ataxia. Last evaluated: 2022-02-28. Review status: criteria provided, single submitter. Criteria: Myriad Women's Health Autosomal Recessive and X-Linked Classification Criteria (2021). Collection method: clinical testing. Allele origin: unknown.
Comment: NM_014363.4(SACS):c.1178T>A(L393*) is expected to be pathogenic in the context of autosomal recessive spastic ataxia of Charlevoix-Saguenay. This variant is predicted to lead to an abnormal or absent protein product due to the creation of a premature termination codon in SACS, a gene where loss-of-function variants are known to be pathogenic. Please note: this variant was assessed in the context of healthy population screening.